The following is an entry in ClinVar:

NM_000254.3(MTR):c.1892G>C (p.Cys631Ser)

Gene: MTR (5-methyltetrahydrofolate-homocysteine methyltransferase; plus strand). Cytogenetic location: 1q43.
Variant type: single nucleotide variant.
Coding change: c.1892G>C on transcript NM_000254.3 (MANE Select); coding-DNA position 1892, G replaced by C.
Protein change: p.Cys631Ser; replaces cysteine 631 with serine.
Molecular consequence: missense variant.
Genome position (GRCh38, 1-based): chr1:236,853,027, G>C. VCF-style: chr1-236853027-G-C. GRCh37 (hg19) VCF-style: chr1-237016327-G-C.
Other names: c.1892G>C, p.Cys631Ser (NM_001291939.1, NM_001410942.1); c.671G>C, p.Cys224Ser (NM_001291940.2); short protein forms C631S, C224S.
Identifiers: ClinVar variation 2125202 (VCV002125202.4), dbSNP rs2528182342, ClinGen allele CA345375169.
Genomic context (GRCh38, chr1:236,853,027, plus strand): 5'-TAGTGAATGCTGGAAACCTCCCTGTGTATGATGATATCCATAAGGAACTTCTGCAGCTCT[G>C]TGAAGATCTCATCTGGAATAAAGACCCTGAGGCCACTGAGAAGCTCTTACGTTATGCCCA-3'
Protein context (NP_000245.2, residues 621-641): DDIHKELLQL[Cys631Ser]EDLIWNKDPE

ClinVar aggregate classification (germline): Uncertain significance (1 of 4 stars; one submission).

Conditions:
Methylcobalamin deficiency type cblG (HMAG). Also called: HOMOCYSTINURIA-MEGALOBLASTIC ANEMIA, cblG TYPE; HOMOCYSTINURIA-MEGALOBLASTIC ANEMIA, cblG COMPLEMENTATION TYPE; Functional methionine synthase deficiency type cblG; HOMOCYSTINURIA-MEGALOBLASTIC ANEMIA DUE TO DEFECT IN COBALAMIN METABOLISM, cblG COMPLEMENTATION TYPE. Identifiers: Orphanet 2170, Orphanet 622, MedGen C1855128, MONDO:0009609, OMIM 250940.

Submission:

Labcorp Genetics (formerly Invitae), Labcorp
Classification: Uncertain significance for Methylcobalamin deficiency type cblG. Last evaluated: 2022-07-31. Review status: criteria provided, single submitter. Criteria: Invitae Variant Classification Sherloc (09022015). Collection method: clinical testing. Allele origin: germline.
Comment: This sequence change replaces cysteine, which is neutral and slightly polar, with serine, which is neutral and polar, at codon 631 of the MTR protein (p.Cys631Ser). In summary, the available evidence is currently insufficient to determine the role of this variant in disease. Therefore, it has been classified as a Variant of Uncertain Significance. Algorithms developed to predict the effect of missense changes on protein structure and function are either unavailable or do not agree on the potential impact of this missense change (SIFT: "Deleterious"; PolyPhen-2: "Probably Damaging"; Align-GVGD: "Class C0"). This variant has not been reported in the literature in individuals affected with MTR-related conditions. This variant is not present in population databases (gnomAD no frequency).